The following is an entry in ClinVar:

ClinVar aggregate classification (germline): Likely benign. Review status: criteria provided, multiple submitters, no conflicts (2 of 4 stars). 4 submissions from 4 submitters: Likely benign (4). Last evaluated 2025-11-13.

Conditions:
Cardiovascular phenotype. Identifiers: MedGen CN230736.
Arrhythmogenic right ventricular cardiomyopathy (ARVD). Also called: Cardiomyopathy, ARVC; Arrhythmogenic right ventricular dysplasia; Arrhythmogenic cardiomyopathy; Arrhythmogenic Right Ventricular Cardiomyopathy (ARVC). Identifiers: Orphanet 247, MedGen C0349788, MeSH D019571, MONDO:0016587. Disease mechanism: loss of function. Inheritance: Various modes of inheritance.
Cardiomyopathy (CMYO). Also called: Cardiomyopathies. Identifiers: Orphanet 167848, MedGen C0878544, MONDO:0004994, HP:0001638. Inheritance: Various modes of inheritance.
Arrhythmogenic right ventricular dysplasia 9 (ARVD9). Also called: Arrhythmogenic Right Ventricular Dysplasia/Cardiomyopathy 9; ARRHYTHMOGENIC RIGHT VENTRICULAR DYSPLASIA, FAMILIAL, 9. Identifiers: MedGen C1836906, MONDO:0012180, OMIM 609040.

Allele frequency attached by ClinVar (database versions not stated): TOPMed below 0.00001.
gnomAD v4.1: 5 of 1,614,048 alleles (0.00031%); highest among the groups gnomAD compares: Admixed American, 0.0017%; no homozygotes.

Submissions (4):

Labcorp Genetics (formerly Invitae), Labcorp
Classification: Likely benign for Arrhythmogenic right ventricular dysplasia 9. Last evaluated: 2025-11-13. Review status: criteria provided, single submitter. Criteria: Invitae Variant Classification Sherloc (09022015). Collection method: clinical testing. Allele origin: germline.

All of Us Research Program, National Institutes of Health
Classification: Likely benign for Arrhythmogenic right ventricular cardiomyopathy. Last evaluated: 2023-11-20. Review status: criteria provided, single submitter. Criteria: ACMG Guidelines, 2015. Collection method: clinical testing. Allele origin: germline. Inheritance: Autosomal dominant inheritance. Observed: 4 variant alleles, 4 heterozygotes.
Comment: This study involves interpretation of variants in research participants for the purpose of population health screening. Participant phenotype was not available at the time of variant classification. Additional details can be found in publication PMID: 35346344, PMCID: PMC8962531

Ambry Genetics
Classification: Likely benign for Cardiovascular phenotype. Last evaluated: 2023-06-11. Review status: criteria provided, single submitter. Criteria: Ambry Variant Classification Scheme 2023. Collection method: clinical testing. Allele origin: germline.

Color Diagnostics, LLC DBA Color Health
Classification: Likely benign for Cardiomyopathy. Last evaluated: 2020-01-10. Review status: criteria provided, single submitter. Criteria: ACMG Guidelines, 2015. Collection method: clinical testing. Allele origin: germline.

NM_001005242.3(PKP2):c.1848G>A (p.Gln616=)

Gene: PKP2 (plakophilin 2; minus strand). Cytogenetic location: 12p11.21.
Variant type: single nucleotide variant.
Coding change: c.1848G>A on transcript NM_001005242.3 (MANE Select); coding-DNA position 1848, G replaced by A.
Protein change: p.Gln616=; no amino-acid change (glutamine 616 retained).
Molecular consequence: synonymous variant.
Genome position (GRCh38, 1-based): chr12:32,821,521, C>T on the plus strand (G>A on the coding strand, the complement: PKP2 is on the minus strand). VCF-style: chr12-32821521-C-T. GRCh37 (hg19) VCF-style: chr12-32974455-C-T.
Other names: c.1980G>A, p.Gln660= (NM_004572.4).
Identifiers: ClinVar variation 770480 (VCV000770480.15), dbSNP rs759353036, ClinGen allele CA032002.
Genomic context (GRCh38, chr12:32,821,521, plus strand): 5'-GGAATGCCACAGCCACTCCACGCCCTTGGGGTTGCTCTTTTCCTCCGGCATCGGCACGTC[C>T]TGGTATTGCTGACCACACACAAAAGGAATCCAGAATTAATGCATGTCAGGTGATGGCTAT-3'
Protein context (NP_001005242.2, residues 606-626): SRSRKVKEQY[Gln616=]DVPMPEEKSN